The following is an entry in ClinVar:

ClinVar aggregate classification (germline): Uncertain significance (1 of 4 stars; one submission).

Submission:

Ambry Genetics
Classification: Uncertain significance. Last evaluated: 2023-11-14. Review status: criteria provided, single submitter. Criteria: Ambry Variant Classification Scheme 2023. Collection method: clinical testing. Allele origin: germline.
Comment: The p.A1736E variant (also known as c.5207C>A), located in coding exon 4 of the ALPK2 gene, results from a C to A substitution at nucleotide position 5207. The alanine at codon 1736 is replaced by glutamic acid, an amino acid with dissimilar properties. This amino acid position is conserved. In addition, this alteration is predicted to be tolerated by in silico analysis. Since supporting evidence is limited at this time, the clinical significance of this alteration remains unclear.

NM_052947.4(ALPK2):c.5207C>A (p.Ala1736Glu)

Genes: ALPK2 (alpha kinase 2; minus strand), LOC130062577 (ATAC-STARR-seq lymphoblastoid active region 13389; plus strand). Cytogenetic location: 18q21.31.
Variant type: single nucleotide variant.
Coding change: c.5207C>A on transcript NM_052947.4 (MANE Select); coding-DNA position 5207, C replaced by A.
Protein change: p.Ala1736Glu; replaces alanine 1736 with glutamic acid.
Molecular consequence: missense variant.
Genome position (GRCh38, 1-based): chr18:58,534,980, G>T on the plus strand (C>A on the coding strand, the complement: ALPK2 is on the minus strand). VCF-style: chr18-58534980-G-T. GRCh37 (hg19) VCF-style: chr18-56202212-G-T.
Other names: short protein forms A1736E.
Identifiers: ClinVar variation 3228789 (VCV003228789.1), dbSNP rs2518873293, ClinGen allele CA402557556.
Genomic context (GRCh38, chr18:58,534,980, plus strand): 5'-TTAAGAAAGGCTGAGTTCTTTCTGATATTTTCCTTTTCTTCCAGTTTCAGCCTCAGTGCT[G>T]CCACCCTGGACAAAATTTTCTTCTTTACTCCCTCAGCTAAATGTCCACTGCCTGGGGCTT-3'
Protein context (NP_443179.3, residues 1726-1746): GVKKKILSRV[Ala1736Glu]ALRLKLEEKE